The following is an entry in ClinVar:

ClinVar aggregate classification (germline): Pathogenic. Review status: criteria provided, multiple submitters, no conflicts (2 of 4 stars). 2 submissions from 2 submitters: Pathogenic (2). Last evaluated 2024-06-21.

Conditions:
Familial cancer of breast. Also called: Hereditary breast cancer; BREAST CANCER, FAMILIAL; hereditary breast carcinoma. Identifiers: Orphanet 227535, MedGen C0346153, MONDO:0016419, OMIM 114480. Disease mechanism: loss of function.
Ataxia-telangiectasia syndrome (AT). Also called: LOUIS-BAR SYNDROME; Ataxia-telangiectasia, complementation group D; AT, COMPLEMENTATION GROUP C; Cerebello-oculocutaneous telangiectasia; Immunodeficiency with ataxia telangiectasia; ATAXIA-TELANGIECTASIA, COMPLEMENTATION GROUP A. Identifiers: Orphanet 100, MedGen C0004135, MONDO:0008840, OMIM 208900.

Allele frequency attached by ClinVar (database versions not stated): gnomAD exomes below 0.00001.

Submissions (2):

Labcorp Genetics (formerly Invitae), Labcorp
Classification: Pathogenic for Ataxia-telangiectasia syndrome. Last evaluated: 2024-06-21. Review status: criteria provided, single submitter. Criteria: Invitae Variant Classification Sherloc (09022015). Collection method: clinical testing. Allele origin: germline.
Comment: This sequence change creates a premature translational stop signal (p.Met1064Asnfs*9) in the ATM gene. It is expected to result in an absent or disrupted protein product. Loss-of-function variants in ATM are known to be pathogenic (PMID: 23807571, 25614872). This variant is not present in population databases (gnomAD no frequency). This variant has not been reported in the literature in individuals affected with ATM-related conditions. ClinVar contains an entry for this variant (Variation ID: 1072054). For these reasons, this variant has been classified as Pathogenic.

Myriad Genetics, Inc.
Classification: Pathogenic for Familial cancer of breast. Last evaluated: 2024-01-19. Review status: criteria provided, single submitter. Criteria: Myriad Autosomal Dominant, Autosomal Recessive and X-Linked Classification Criteria (2023). Collection method: clinical testing. Allele origin: unknown.
Comment: This variant is considered pathogenic. This variant creates a frameshift predicted to result in premature protein truncation.

Literature cited by the submitters: PubMed 23807571 (cited by Labcorp Genetics (formerly Invitae), Labcorp); PubMed 25614872 (cited by Labcorp Genetics (formerly Invitae), Labcorp).

NM_000051.4(ATM):c.3188dup (p.Met1064fs)

Gene: ATM (ATM serine/threonine kinase; plus strand). Cytogenetic location: 11q22.3.
Variant type: Duplication.
Coding change: c.3188dup on transcript NM_000051.4 (MANE Select); coding-DNA position 3188, one base duplicated (T; older notation c.3188dupT).
Protein change: p.Met1064fs; shifts the reading frame from methionine 1064.
Molecular consequence: frameshift variant.
Genome position (GRCh38, 1-based): chr11:108,272,756, T duplicated. VCF-style (leftmost placement, unchanged base first): chr11-108272755-G-GT. GRCh37 (hg19) VCF-style: chr11-108143482-G-GT.
Other names: c.3188dup, p.Met1064fs (NM_001351834.2); short protein forms M1064fs.
Identifiers: ClinVar variation 1072054 (VCV001072054.8), dbSNP rs2135570632, ClinGen allele CA2499220607.
Genomic context (GRCh38, chr11:108,272,755, plus strand): 5'-TATTTAACCACAGTTCTTTTCCCGTAGGCTGATCCTTATTCAAAATGGGCCATTCTTAAT[G>GT]TAATGGGAAAAGACTTTCCTGTAAATGAAGTATTTACACAATTTCTTGCTGACAATCATC-3'